The following is an entry in ClinVar:

NC_000017.11:g.79371616_79400400dup

Gene: RBFOX3 (RNA binding fox-1 homolog 3; minus strand). Cytogenetic location: 17q25.3.
Variant type: Duplication.
Identifiers: ClinVar variation 157404 (VCV000157404.2).

ClinVar aggregate classification (germline): not provided (0 of 4 stars; one submission).

Conditions:
Small for gestational age. Also called: Low birth weight. Identifiers: MedGen C0235991, HP:0001518.

Submission:

Institute of Molecular and Cell Biology, University of Tartu
No classification provided. Condition: Small for gestational age. Review status: no classification provided. Collection method: case-control. Allele origin: unknown. Affected: yes. Study: Kasak2014.
Comment: The study aimed to determine the contribution of copy number variants in the genetic etiology of normal and complicated pregnancies. The samples represented (i) maternal blood DNA drawn from healthy pregnant women during 1st or 2nd trimester and (ii) maternal and paternal blood DNA drawn at term pregnancy cases representing normal and complicated gestations (severe preeclampsia, PE; gestational diabetes, GD; small-for-gestational age newborn, SGA; large-for-gestational age newborn, LGA). We performed CNV calling based on genome-wide genotyping dataset (Illumina HumanOmniExpress-24-v1 BeadChip) by applying three algorithms, QuantiSNP, GADA (Genome Alteration Detection Algorithm) and CNstream in parallel. The acquired CNV calls were merged with HD-CNV (Hotspot Detector for Copy Number Variants) program and only the CNVs predicted by at least two programs, were considered in subsequent analysis.

Literature cited by the submitters: PubMed 25666259.